The following is an entry in ClinVar:

ClinVar aggregate classification (germline): Conflicting classifications of pathogenicity. Review status: criteria provided, conflicting classifications (1 of 4 stars). 4 submissions from 4 submitters: Pathogenic (1); Likely pathogenic (1); Uncertain significance (2). Last evaluated 2026-09-08.

Conditions:
Fabry disease. Also called: Fabry's disease; ALPHA-GALACTOSIDASE A DEFICIENCY; ANDERSON-FABRY DISEASE; CERAMIDE TRIHEXOSIDASE DEFICIENCY; GLA DEFICIENCY; HEREDITARY DYSTOPIC LIPIDOSIS. Identifiers: Orphanet 324, MedGen C0002986, MONDO:0010526, OMIM 301500, HP:0001071. Disease mechanism: loss of function, Fabry disease is due to inactivating mutations in the X-linked GLA gene resulting in deficiency of the enzyme Alpha Galactosidase-A..

Submissions (4):

Genomenon, Inc
Classification: Pathogenic for Fabry disease. Last evaluated: 2026-09-08. Review status: criteria provided, single submitter. Criteria: Genomenon Sequence Variant Interpretation Standards - Updated. Collection method: curation. Allele origin: germline. Affected: yes.
Comment: GLA p.Tyr134Asp (c.400T>G) is a missense variant that changes the amino acid at codon 134 from Tyrosine to Aspartic acid. This variant has been observed in at least one proband with clinical features consistent with Fabry disease (PMID:30972193;30677769). At least one functional study has demonstrated a substantial alteration in protein function relative to the wild-type (PMID:27657681). This variant is located in a mutational hotspot and/or important functional domain. It is absent or not present at a significant frequency in gnomAD. In silico models predict that this variant is possibly or probably damaging. In conclusion, we classify GLA p.Tyr134Asp (c.400T>G) as a pathogenic variant.

Genome-Nilou Lab
Classification: Uncertain significance for Fabry disease. Last evaluated: 2021-07-15. Review status: criteria provided, single submitter. Criteria: ACMG Guidelines, 2015. Collection method: clinical testing. Allele origin: germline. Affected: no.

Women's Health and Genetics/Laboratory Corporation of America, LabCorp
Classification: Likely pathogenic for Fabry disease. Last evaluated: 2021-07-02. Review status: criteria provided, single submitter. Criteria: LabCorp Variant Classification Summary - May 2015. Collection method: clinical testing. Allele origin: germline.
Comment: Variant summary: GLA c.400T>G (p.Tyr134Asp) results in a non-conservative amino acid change in the encoded protein sequence. Five of five in-silico tools predict a damaging effect of the variant on protein function. The variant was absent in 183470 control chromosomes. c.400T>G has been reported in the literature in individuals affected with Fabry Disease (classic and non-classic forms; Moiseev_2019, Limgala_2019, Ivanova_2020). These data indicate that the variant may be associated with disease. The variant has been reported in a functional study to have significantly diminished alpha-Gal activity in fibroblast cell lines from a patient with the variant (Ivanova_2020). One clinical diagnostic laboratory has submitted clinical-significance assessments for this variant to ClinVar after 2014 without evidence for independent evaluation. One laboratory classified the variant as uncertain significance. Based on the evidence outlined above, the variant was classified as likely pathogenic.

Eurofins Ntd Llc (ga)
Classification: Uncertain significance. Last evaluated: 2018-07-13. Review status: criteria provided, single submitter. Criteria: EGL ClinVar v180209 classification definitions. Collection method: clinical testing. Allele origin: germline. Observed: 4 variant alleles, 2 heterozygotes, 2 hemizygotes.

Literature cited by the submitters: PubMed 30972193 (cited by Genomenon, Inc and Women's Health and Genetics/Laboratory Corporation of America, LabCorp); PubMed 30677769 (cited by Genomenon, Inc and Women's Health and Genetics/Laboratory Corporation of America, LabCorp); PubMed 27657681 (cited by Genomenon, Inc); PubMed 31650418 (cited by Women's Health and Genetics/Laboratory Corporation of America, LabCorp); PubMed 32486191 (cited by Women's Health and Genetics/Laboratory Corporation of America, LabCorp).

NM_000169.3(GLA):c.400T>G (p.Tyr134Asp)

Genes: GLA (galactosidase alpha; minus strand), RPL36A-HNRNPH2 (RPL36A-HNRNPH2 readthrough; plus strand). Cytogenetic location: Xq22.1.
Variant type: single nucleotide variant.
Coding change: c.400T>G on transcript NM_000169.3 (MANE Select); coding-DNA position 400, T replaced by G.
Protein change: p.Tyr134Asp; replaces tyrosine 134 with aspartic acid.
Molecular consequence: missense variant. On other transcripts: intron variant (2), non-coding transcript variant (3).
Genome position (GRCh38, 1-based): chrX:101,401,779, A>C on the plus strand (T>G on the coding strand, the complement: GLA is on the minus strand). VCF-style: chrX-101401779-A-C. GRCh37 (hg19) VCF-style: chrX-100656767-A-C.
Other names: c.177+9957A>C (NM_001199974.2); c.523T>G, p.Tyr175Asp (NM_001406747.1, NM_001406749.1); c.400T>G, p.Tyr134Asp (NM_001406748.1); c.300+6322A>C (NM_001199973.2); short protein forms Y175D.
Identifiers: ClinVar variation 167143 (VCV000167143.12), dbSNP rs727503951, ClinGen allele CA021702.